The following is an entry in ClinVar:

NM_001127649.3(PEX26):c.359T>G (p.Val120Gly)

Gene: PEX26 (peroxisomal biogenesis factor 26; plus strand). Cytogenetic location: 22q11.21.
Variant type: single nucleotide variant.
Coding change: c.359T>G on transcript NM_001127649.3 (MANE Select); coding-DNA position 359, T replaced by G.
Protein change: p.Val120Gly; replaces valine 120 with glycine.
Molecular consequence: missense variant.
Genome position (GRCh38, 1-based): chr22:18,080,002, T>G. VCF-style: chr22-18080002-T-G. GRCh37 (hg19) VCF-style: chr22-18562768-T-G.
Other names: c.359T>G, p.Val120Gly (NM_001199319.2, NM_017929.6); short protein forms V120G.
Identifiers: ClinVar variation 3896528 (VCV003896528.3).

ClinVar aggregate classification (germline): Conflicting classifications of pathogenicity. Review status: criteria provided, conflicting classifications (1 of 4 stars). 2 submissions from 2 submitters: Likely pathogenic (1); Uncertain significance (1). Last evaluated 2025-04-03.

Conditions:
Peroxisome biogenesis disorder 7B (PBD7B). Identifiers: Orphanet 44, MedGen C3553951, MONDO:0013939, OMIM 614873.
Peroxisome biogenesis disorder 7A (Zellweger). Also called: Peroxisome biogenesis disorder 7A. Identifiers: Orphanet 912, MedGen C3888385, MONDO:0013938, OMIM 614872.

Submissions (2):

Women's Health and Genetics/Laboratory Corporation of America, LabCorp
Classification: Uncertain significance. Last evaluated: 2025-04-03. Review status: criteria provided, single submitter. Criteria: LabCorp Variant Classification Summary - May 2015. Collection method: clinical testing. Allele origin: germline.
Comment: Variant summary: PEX26 c.359T>G (p.Val120Gly) results in a non-conservative amino acid change in the encoded protein sequence. Five of five in-silico tools predict a damaging effect of the variant on protein function. The variant was absent in 251454 control chromosomes. The available data on variant occurrences in the general population are insufficient to allow any conclusion about variant significance. c.359T>G has been reported in the literature in the compound heterozygous state in at least one individual affected with Zellweger Syndrome (Hong_2019, Huang_2024). These data do not allow any conclusion about variant significance. To our knowledge, no experimental evidence demonstrating an impact on protein function has been reported. The following publications have been ascertained in the context of this evaluation (PMID: 30968598, 38323187). No submitters have cited clinical-significance assessments for this variant to ClinVar. Based on the evidence outlined above, the variant was classified as uncertain significance.

Juno Genomics, Hangzhou Juno Genomics, Inc
Classification: Likely pathogenic for Peroxisome biogenesis disorder 7A (Zellweger); Peroxisome biogenesis disorder 7B. Review status: criteria provided, single submitter. Criteria: ACMG Guidelines, 2015. Collection method: clinical testing. Allele origin: germline. Affected: yes.
Comment: Absent from controls (or at extremely low frequency if recessive) in Genome Aggregation Database, Exome Sequencing Project, 1000 Genomes Project, or Exome Aggregation Consortium.;Multiple lines of computational evidence support a deleterious effect on the gene or gene product (conservation, evolutionary, splicing impact, etc).;Located in a mutational hot spot and/or critical and well-established functional domain (e.g. active site of an enzyme) without benign variation.;For recessive disorders, detected in trans with a pathogenic variant.

Literature cited by the submitters: PubMed 30968598 (cited by Women's Health and Genetics/Laboratory Corporation of America, LabCorp); PubMed 38323187 (cited by Women's Health and Genetics/Laboratory Corporation of America, LabCorp).